The following is an entry in ClinVar:

NM_001369.3(DNAH5):c.8398G>A (p.Val2800Ile)

Gene: DNAH5 (dynein axonemal heavy chain 5; minus strand). Cytogenetic location: 5p15.2.
Variant type: single nucleotide variant.
Coding change: c.8398G>A on transcript NM_001369.3 (MANE Select); coding-DNA position 8398, G replaced by A.
Protein change: p.Val2800Ile; replaces valine 2800 with isoleucine.
Molecular consequence: missense variant.
Genome position (GRCh38, 1-based): chr5:13,792,044, C>T on the plus strand (G>A on the coding strand, the complement: DNAH5 is on the minus strand). VCF-style: chr5-13792044-C-T. GRCh37 (hg19) VCF-style: chr5-13792153-C-T.
Other names: p.Val2800Ile; short protein forms V2800I.
Identifiers: ClinVar variation 454807 (VCV000454807.13), dbSNP rs770453841, ClinGen allele CA3202832.

ClinVar aggregate classification (germline): Conflicting classifications of pathogenicity. Review status: criteria provided, conflicting classifications (1 of 4 stars). 4 submissions from 4 submitters: Uncertain significance (1); Likely benign (2). 1 of the submissions does not count toward it. Last evaluated 2025-02-27.

Conditions:
Primary ciliary dyskinesia. Also called: Ciliary dyskinesia. Identifiers: Orphanet 244, MedGen C0008780, MONDO:0016575, HP:0012265.

Allele frequency attached by ClinVar (database versions not stated): ExAC 0.00001; gnomAD exomes 0.00003; gnomAD 0.00006 and 0.00007; TOPMed 0.00025.
gnomAD v4.1: 126 of 1,613,912 alleles (0.0078%); highest among the groups gnomAD compares: Admixed American, 0.022%; no homozygotes.

Submissions (4):

Labcorp Genetics (formerly Invitae), Labcorp
Classification: Likely benign for Primary ciliary dyskinesia. Last evaluated: 2025-02-27. Review status: criteria provided, single submitter. Criteria: Invitae Variant Classification Sherloc (09022015). Collection method: clinical testing. Allele origin: germline.

Mayo Clinic Laboratories, Mayo Clinic
Classification: Uncertain significance. Last evaluated: 2024-03-13. Review status: criteria provided, single submitter. Criteria: ACMG Guidelines, 2015. Collection method: clinical testing. Allele origin: germline. Observed: 1 variant allele.
Comment: BP4_strong

Ambry Genetics
Classification: Likely benign for Primary ciliary dyskinesia. Last evaluated: 2018-01-08. Review status: criteria provided, single submitter. Criteria: Ambry Variant Classification Scheme 2023. Collection method: clinical testing. Allele origin: germline.

Natera, Inc.
Classification: Uncertain significance for Primary ciliary dyskinesia. Last evaluated: 2019-10-28. Review status: no assertion criteria provided. Collection method: clinical testing. Allele origin: germline. Not counted in ClinVar's aggregate classification.